The following is an entry in ClinVar:

NM_001372.4(DNAH9):c.12835G>A (p.Gly4279Ser)

Gene: DNAH9 (dynein axonemal heavy chain 9; plus strand). Cytogenetic location: 17p12.
Variant type: single nucleotide variant.
Coding change: c.12835G>A on transcript NM_001372.4 (MANE Select); coding-DNA position 12835, G replaced by A.
Protein change: p.Gly4279Ser; replaces glycine 4279 with serine.
Molecular consequence: missense variant.
Genome position (GRCh38, 1-based): chr17:11,942,477, G>A. VCF-style: chr17-11942477-G-A. GRCh37 (hg19) VCF-style: chr17-11845794-G-A.
Other names: c.1771G>A, p.Gly591Ser (NM_004662.2); c.12835G>A (NM_001372.3); short protein forms G4279S, G591S.
Identifiers: ClinVar variation 1553159 (VCV001553159.13), dbSNP rs78845357, ClinGen allele CA8398266.
Genomic context (GRCh38, chr17:11,942,477, plus strand): 5'-TGTGGCCGGATGAATATCCTCACCAGAGAGATTCAGCGCTCACTGAGGGAGCTGGAGCTC[G>A]GCTTAAAGGTGAGCGCGGTCTTGTAAGGCATGGAGGGGACATTGCTAGAGGACACAGATG-3'
Protein context (NP_001363.2, residues 4269-4289): IQRSLRELEL[Gly4279Ser]LKGELTMTSH

ClinVar aggregate classification (germline): Conflicting classifications of pathogenicity. Review status: criteria provided, conflicting classifications (1 of 4 stars). 5 submissions from 5 submitters: Uncertain significance (2); Likely benign (2). 1 of the submissions does not count toward it. Last evaluated 2026-02-03.

Conditions:
DNAH9-related disorder. Also called: DNAH9-related condition.

Allele frequency attached by ClinVar (database versions not stated): gnomAD exomes 0.00017 and 0.00043; ExAC 0.00051; gnomAD 0.00143 and 0.00150; TOPMed 0.00179; 1000 Genomes Project 0.00200; 1000 Genomes Project 30x 0.00203; ESP Exome Variant Server 0.00215.
gnomAD v4.1: 468 of 1,613,740 alleles (0.029%); highest among the groups gnomAD compares: African/African-American, 0.55%; no homozygotes.

Submissions (5):

Labcorp Genetics (formerly Invitae), Labcorp
Classification: Likely benign. Last evaluated: 2026-02-03. Review status: criteria provided, single submitter. Criteria: Invitae Variant Classification Sherloc (09022015). Collection method: clinical testing. Allele origin: germline.

GeneDx
Classification: Uncertain significance. Last evaluated: 2025-06-10. Review status: criteria provided, single submitter. Criteria: GeneDx Variant Classification Process June 2021. Collection method: clinical testing. Allele origin: germline. Affected: yes.
Comment: In silico analysis supports that this missense variant has a deleterious effect on protein structure/function; This variant is associated with the following publications: (PMID: 35729109)

Blueprint Genetics
Classification: Uncertain significance. Last evaluated: 2024-03-07. Review status: criteria provided, single submitter. Criteria: ACMG Guidelines, 2015. Collection method: clinical testing. Allele origin: germline.

Breakthrough Genomics
Classification: Likely benign. Review status: criteria provided, single submitter. Criteria: ACMG Guidelines, 2015. Collection method: not provided. Allele origin: germline. Inheritance: Autosomal recessive inheritance. Affected: yes.

PreventionGenetics, part of Exact Sciences
Classification: Likely benign for DNAH9-related condition. Last evaluated: 2019-08-26. Review status: no assertion criteria provided. Collection method: clinical testing. Allele origin: germline. Not counted in ClinVar's aggregate classification.
Comment: This variant is classified as likely benign based on ACMG/AMP sequence variant interpretation guidelines (Richards et al. 2015 PMID: 25741868, with internal and published modifications).